The following is an entry in ClinVar:

ClinVar aggregate classification (germline): Benign/Likely benign. Review status: criteria provided, multiple submitters, no conflicts (2 of 4 stars). 3 submissions from 3 submitters: Benign (1); Likely benign (2). Last evaluated 2018-01-12.

Conditions:
Arrhythmogenic right ventricular dysplasia 11. Also called: Arrhythmogenic Right Ventricular Dysplasia/Cardiomyopathy11; ARRHYTHMOGENIC RIGHT VENTRICULAR DYSPLASIA, FAMILIAL, 11; Arrhythmogenic right ventricular dysplasia 11 with mild palmoplantar keratoderma and woolly hair. Identifiers: MedGen C1864850, MONDO:0012506, OMIM 610476.

Allele frequency attached by ClinVar (database versions not stated): gnomAD exomes 0.00405 and 0.00311; gnomAD 0.00317 and 0.00294; 1000 Genomes Project 30x 0.00484; ExAC 0.00446; TOPMed 0.00276; 1000 Genomes Project 0.00519.
gnomAD v4.1: 4,987 of 1,590,982 alleles (0.31%); highest among the groups gnomAD compares: East Asian, 2.6%; 34 homozygotes.

Submissions (3):

Illumina Laboratory Services, Illumina
Classification: Likely benign for Arrhythmogenic right ventricular dysplasia 11. Last evaluated: 2018-01-12. Review status: criteria provided, single submitter. Criteria: ICSL Variant Classification Criteria 13 December 2019. Collection method: clinical testing. Allele origin: germline.
Comment: This variant was observed in the ICSL laboratory as part of a predisposition screen in an ostensibly healthy population. It had not been previously curated by ICSL or reported in the Human Gene Mutation Database (HGMD: prior to June 1st, 2018), and was therefore a candidate for classification through an automated scoring system. Utilizing variant allele frequency, disease prevalence and penetrance estimates, and inheritance mode, an automated score was calculated to assess if this variant is too frequent to cause the disease. Based on the score and internal cut-off values, a variant classified as likely benign is not then subjected to further curation. The score for this variant resulted in a classification of likely benign for this disease.

GeneDx
Classification: Benign. Last evaluated: 2015-03-03. Review status: criteria provided, single submitter. Criteria: GeneDx Variant Classification Process June 2021. Collection method: clinical testing. Allele origin: germline. Affected: yes.

Breakthrough Genomics
Classification: Likely benign. Review status: criteria provided, single submitter. Criteria: ACMG Guidelines, 2015. Collection method: not provided. Allele origin: germline. Inheritance: Autosomal dominant inheritance. Affected: yes.

NM_024422.6(DSC2):c.*46A>T

Gene: DSC2 (desmocollin 2; minus strand). Cytogenetic location: 18q12.1.
Variant type: single nucleotide variant.
Coding change: c.*46A>T on transcript NM_024422.6 (MANE Select); 46 bases downstream of the stop codon, A replaced by T.
Molecular consequence: 3 prime UTR variant.
Genome position (GRCh38, 1-based): chr18:31,067,969, T>A on the plus strand (A>T on the coding strand, the complement: DSC2 is on the minus strand). VCF-style: chr18-31067969-T-A. GRCh37 (hg19) VCF-style: chr18-28647935-T-A.
Other names: c.*254A>T (NM_004949.5).
Identifiers: ClinVar variation 326392 (VCV000326392.9), dbSNP rs77431927, ClinGen allele CA037497.